The following is an entry in ClinVar:

ClinVar aggregate classification (germline): Uncertain significance (1 of 4 stars; one submission).

gnomAD v4.1: 1 of 1,612,094 alleles (0.000062%); highest among the groups gnomAD compares: Non-Finnish European, 0.000085%; no homozygotes.

Submission:

GeneDx
Classification: Uncertain significance. Last evaluated: 2023-06-06. Review status: criteria provided, single submitter. Criteria: GeneDx Variant Classification Process June 2021. Collection method: clinical testing. Allele origin: germline. Affected: yes.
Comment: Not observed at significant frequency in large population cohorts (gnomAD); In silico analysis supports that this missense variant does not alter protein structure/function; Has not been previously published as pathogenic or benign to our knowledge

NM_016580.4(PCDH12):c.401G>C (p.Arg134Pro)

Genes: PCDH12 (protocadherin 12; minus strand), RNF14 (ring finger protein 14; plus strand). Cytogenetic location: 5q31.3.
Variant type: single nucleotide variant.
Coding change: c.401G>C on transcript NM_016580.4 (MANE Select); coding-DNA position 401, G replaced by C.
Protein change: p.Arg134Pro; replaces arginine 134 with proline.
Molecular consequence: missense variant.
Genome position (GRCh38, 1-based): chr5:141,957,451, C>G on the plus strand (G>C on the coding strand, the complement: PCDH12 is on the minus strand). VCF-style: chr5-141957451-C-G. GRCh37 (hg19) VCF-style: chr5-141337016-C-G.
Other names: short protein forms R134P.
Identifiers: ClinVar variation 3359352 (VCV003359352.1).
Genomic context (GRCh38, chr5:141,957,451, plus strand): 5'-ATCCGGGTTCGCAGAGAGGCGCTCTCAGAGATTTCCAGCTCCTGCTCGCCTTTGGGAAAC[C>G]GTGGCTGGTGGTCATTGATGTCCAGCACTTGGATCTCCACATGGATCAGAGCCAAATCCC-3'
Protein context (NP_057664.1, residues 124-144): QVLDINDHQP[Arg134Pro]FPKGEQELEI